The following is an entry in ClinVar:

ClinVar aggregate classification (germline): Uncertain significance (1 of 4 stars; one submission).

Submission:

GeneDx
Classification: Uncertain significance. Last evaluated: 2023-04-05. Review status: criteria provided, single submitter. Criteria: GeneDx Variant Classification Process June 2021. Collection method: clinical testing. Allele origin: germline. Affected: yes.
Comment: Not observed at significant frequency in large population cohorts (gnomAD); In silico analysis supports that this missense variant has a deleterious effect on protein structure/function; Has not been previously published as pathogenic or benign to our knowledge; Variants in candidate genes are classified as variants of uncertain significance in accordance with ACMG guidelines (Richards et al., 2015)

NM_006885.4(ZFHX3):c.4705C>T (p.His1569Tyr)

Genes: ZFHX3 (zinc finger homeobox 3; minus strand), ZFHX3-AS1 (ZFHX3 antisense RNA 1; plus strand). Cytogenetic location: 16q22.2.
Variant type: single nucleotide variant.
Coding change: c.4705C>T on transcript NM_006885.4 (MANE Select); coding-DNA position 4705, C replaced by T.
Protein change: p.His1569Tyr; replaces histidine 1569 with tyrosine.
Molecular consequence: missense variant.
Genome position (GRCh38, 1-based): chr16:72,797,977, G>A on the plus strand (C>T on the coding strand, the complement: ZFHX3 is on the minus strand). VCF-style: chr16-72797977-G-A. GRCh37 (hg19) VCF-style: chr16-72831876-G-A.
Other names: c.1963C>T, p.His655Tyr (NM_001164766.2); c.4705C>T, p.His1569Tyr (NM_001386735.1); short protein forms H1569Y, H655Y.
Identifiers: ClinVar variation 3342947 (VCV003342947.1).